The following is an entry in ClinVar:

ClinVar aggregate classification (germline): Uncertain significance (1 of 4 stars; one submission).

Conditions:
Charcot-Marie-Tooth disease axonal type 2C (HMSN2C). Also called: CHARCOT-MARIE-TOOTH DISEASE, AXONAL, AUTOSOMAL DOMINANT, TYPE 2C; Charcot-Marie-Tooth Neuropathy Type 2C; Charcot-Marie-Tooth Disease Type 2, TRPV4-Related (CMT2C). Identifiers: Orphanet 99937, MedGen C1853710, MONDO:0011633, OMIM 606071.

Submission:

Labcorp Genetics (formerly Invitae), Labcorp
Classification: Uncertain significance for Charcot-Marie-Tooth disease axonal type 2C. Last evaluated: 2024-10-04. Review status: criteria provided, single submitter. Criteria: Invitae Variant Classification Sherloc (09022015). Collection method: clinical testing. Allele origin: germline.
Comment: This sequence change replaces glycine, which is neutral and non-polar, with aspartic acid, which is acidic and polar, at codon 27 of the TRPV4 protein (p.Gly27Asp). This variant is not present in population databases (gnomAD no frequency). This variant has not been reported in the literature in individuals affected with TRPV4-related conditions. Invitae Evidence Modeling of protein sequence and biophysical properties (such as structural, functional, and spatial information, amino acid conservation, physicochemical variation, residue mobility, and thermodynamic stability) indicates that this missense variant is not expected to disrupt TRPV4 protein function with a negative predictive value of 95%. In summary, the available evidence is currently insufficient to determine the role of this variant in disease. Therefore, it has been classified as a Variant of Uncertain Significance.

NM_021625.5(TRPV4):c.80G>A (p.Gly27Asp)

Gene: TRPV4 (transient receptor potential cation channel subfamily V member 4; minus strand). Cytogenetic location: 12q24.11.
Variant type: single nucleotide variant.
Coding change: c.80G>A on transcript NM_021625.5 (MANE Select); coding-DNA position 80, G replaced by A.
Protein change: p.Gly27Asp; replaces glycine 27 with aspartic acid.
Molecular consequence: missense variant. On other transcripts: splice donor variant (1).
Genome position (GRCh38, 1-based): chr12:109,814,717, C>T on the plus strand (G>A on the coding strand, the complement: TRPV4 is on the minus strand). VCF-style: chr12-109814717-C-T. GRCh37 (hg19) VCF-style: chr12-110252522-C-T.
Other names: c.80G>A, p.Gly27Asp (NM_001177428.2, NM_001177433.2, NM_147204.3); c.79+1G>A (NM_001177431.1); short protein forms G27D.
Identifiers: ClinVar variation 3711845 (VCV003711845.2).